The following is an entry in ClinVar:

NM_001377.3(DYNC2H1):c.2289G>C (p.Met763Ile)

Gene: DYNC2H1 (dynein cytoplasmic 2 heavy chain 1; plus strand). Cytogenetic location: 11q22.3.
Variant type: single nucleotide variant.
Coding change: c.2289G>C on transcript NM_001377.3 (MANE Select); coding-DNA position 2289, G replaced by C.
Protein change: p.Met763Ile; replaces methionine 763 with isoleucine.
Molecular consequence: missense variant.
Genome position (GRCh38, 1-based): chr11:103,135,578, G>C. VCF-style: chr11-103135578-G-C. GRCh37 (hg19) VCF-style: chr11-103006307-G-C.
Other names: c.2289G>C, p.Met763Ile (NM_001080463.2); short protein forms M763I.
Identifiers: ClinVar variation 392302 (VCV000392302.2), dbSNP rs1057524436, ClinGen allele CA16606762.

ClinVar aggregate classification (germline): Uncertain significance (1 of 4 stars; one submission).

Submission:

GeneDx
Classification: Uncertain significance. Last evaluated: 2017-01-17. Review status: criteria provided, single submitter. Criteria: GeneDx Variant Classification (06012015). Collection method: clinical testing. Allele origin: germline. Affected: yes.
Comment: The M763I variant in the DYNC2H1 gene has not been reported previously as a pathogenic variant, nor as a benign variant, to our knowledge. The M763I variant was not observed in approximately 5,900 individuals of European and African American ancestry in the NHLBI Exome Sequencing Project, indicating it is not a common benign variant in these populations. The M763I variant is a conservative amino acid substitution, which is not likely to impact secondary protein structure as these residues share similar properties. This substitution occurs at a position that is conserved in mammals. In silico analysis is inconsistent in its predictions as to whether or not the variant is damaging to the protein structure/function. We interpret M763I as a variant of uncertain significance.